The following is an entry in ClinVar:

NM_000128.4(F11):c.1812G>T (p.Arg604=)

Genes: F11-AS1 (F11 antisense RNA 1; minus strand), F11 (coagulation factor XI; plus strand). Cytogenetic location: 4q35.2.
Variant type: single nucleotide variant.
Coding change: c.1812G>T on transcript NM_000128.4 (MANE Select); coding-DNA position 1812, G replaced by T.
Protein change: p.Arg604=; no amino-acid change (arginine 604 retained).
Molecular consequence: synonymous variant. On other transcripts: non-coding transcript variant (1).
Genome position (GRCh38, 1-based): chr4:186,288,548, G>T. VCF-style: chr4-186288548-G-T. GRCh37 (hg19) VCF-style: chr4-187209702-G-T.
Other names: p.Arg604=.
Identifiers: ClinVar variation 255178 (VCV000255178.23), dbSNP rs5971, ClinGen allele CA3164131.

ClinVar aggregate classification (germline): Benign/Likely benign. Review status: criteria provided, multiple submitters, no conflicts (2 of 4 stars). 10 submissions from 10 submitters: Benign (8); Likely benign (1). 1 of the submissions does not count toward it. Last evaluated 2026-06-26.

Conditions:
Plasma factor XI deficiency.
Hereditary factor XI deficiency disease. Also called: Congenital factor XI deficiency; PLASMA THROMBOPLASTIN ANTECEDENT DEFICIENCY; PTA DEFICIENCY; ROSENTHAL SYNDROME. Identifiers: Orphanet 329, MedGen C0015523, MeSH D005173, MONDO:0012897, OMIM 612416.

Allele frequency attached by ClinVar (database versions not stated): gnomAD exomes 0.05102 and 0.06093; ExAC 0.06101; gnomAD 0.06917 and 0.06924; ESP Exome Variant Server 0.07243; TOPMed 0.07302; 1000 Genomes Project 30x 0.08823; 1000 Genomes Project 0.08946.
gnomAD v4.1: 85,453 of 1,613,998 alleles (5.3%); highest among the groups gnomAD compares: African/African-American, 12%; 2,779 homozygotes.

Submissions (10):

Women's Health and Genetics/Laboratory Corporation of America, LabCorp
Classification: Benign. Last evaluated: 2026-06-26. Review status: criteria provided, single submitter. Criteria: LabCorp Variant Classification Summary - May 2015. Collection method: clinical testing. Allele origin: germline.

Labcorp Genetics (formerly Invitae), Labcorp
Classification: Benign. Last evaluated: 2026-02-04. Review status: criteria provided, single submitter. Criteria: Invitae Variant Classification Sherloc (09022015). Collection method: clinical testing. Allele origin: germline.

Blueprint Genetics
Classification: Likely benign. Last evaluated: 2024-11-26. Review status: criteria provided, single submitter. Criteria: ACMG Guidelines, 2015. Collection method: clinical testing. Allele origin: germline.

Mayo Clinic Laboratories, Mayo Clinic
Classification: Benign. Last evaluated: 2022-12-05. Review status: criteria provided, single submitter. Criteria: ACMG Guidelines, 2015. Collection method: clinical testing. Allele origin: germline. Observed: 22 variant alleles.
Comment: BS1, BS2, BP4, BP6, BP7

Genome-Nilou Lab
Classification: Benign for Hereditary factor XI deficiency disease. Last evaluated: 2021-07-10. Review status: criteria provided, single submitter. Criteria: ACMG Guidelines, 2015. Collection method: clinical testing. Allele origin: germline. Affected: no.

GeneDx
Classification: Benign. Last evaluated: 2021-05-04. Review status: criteria provided, single submitter. Criteria: GeneDx Variant Classification Process June 2021. Collection method: clinical testing. Allele origin: germline. Affected: yes.

Illumina Laboratory Services, Illumina
Classification: Benign for Hereditary factor XI deficiency disease. Last evaluated: 2018-01-13. Review status: criteria provided, single submitter. Criteria: ICSL Variant Classification Criteria 13 December 2019. Collection method: clinical testing. Allele origin: germline.
Comment: This variant was observed in the ICSL laboratory as part of a predisposition screen in an ostensibly healthy population. It had not been previously curated by ICSL or reported in the Human Gene Mutation Database (HGMD: prior to June 1st, 2018), and was therefore a candidate for classification through an automated scoring system. Utilizing variant allele frequency, disease prevalence and penetrance estimates, and inheritance mode, an automated score was calculated to assess if this variant is too frequent to cause the disease. Based on the score and internal cut-off values, a variant classified as benign is not then subjected to further curation. The score for this variant resulted in a classification of benign for this disease.

Breakthrough Genomics
Classification: Benign. Review status: criteria provided, single submitter. Criteria: ACMG Guidelines, 2015. Collection method: not provided. Allele origin: germline. Inheritance: Unknown mechanism. Affected: yes.

PreventionGenetics, part of Exact Sciences
Classification: Benign. Review status: criteria provided, single submitter. Criteria: ACMG Guidelines, 2015. Collection method: clinical testing. Allele origin: germline.

Natera, Inc.
Classification: Benign for Plasma factor XI deficiency. Last evaluated: 2019-11-21. Review status: no assertion criteria provided. Collection method: clinical testing. Allele origin: germline. Not counted in ClinVar's aggregate classification.